The following is an entry in ClinVar:

ClinVar aggregate classification (germline): Pathogenic/Likely pathogenic. Review status: criteria provided, multiple submitters, no conflicts (2 of 4 stars). 2 submissions from 2 submitters: Pathogenic (1); Likely pathogenic (1). Last evaluated 2026-09-02.

Conditions:
COL18A1-related disorder. Also called: COL18A1-related disorders; COL18A1-related condition.
Retinal disorder. Also called: Retinopathies; Retinal Diseases; Retinal disorders; Retinopathy. Identifiers: MedGen C0035309, MONDO:0005283, HP:0000488.

Submissions (2):

North West Genomic Laboratory Hub, Manchester University NHS Foundation Trust
Classification: Pathogenic for Retinal disorders. Last evaluated: 2026-09-02. Review status: criteria provided, single submitter. Criteria: ACGS Best Practice Guidelines for Variant Classification in Rare Disease 2024. Collection method: clinical testing. Allele origin: germline. Affected: yes.
Comment: PM2_Mod PVS1_VStr PM3_Supp

Blueprint Genetics
Classification: Likely pathogenic for COL18A1-related disorders. Last evaluated: 2024-08-23. Review status: criteria provided, single submitter. Criteria: ACMG Guidelines, 2015. Collection method: clinical testing. Allele origin: germline. Affected: yes. Observed: 1 variant allele.

NM_001379500.1(COL18A1):c.2824_2832delinsC (p.Gly942fs)

Genes: COL18A1 (collagen type XVIII alpha 1 chain; plus strand), SLC19A1 (solute carrier family 19 member 1; minus strand). Cytogenetic location: 21q22.3.
Variant type: Indel.
Coding change: c.2824_2832delinsC on transcript NM_001379500.1 (MANE Select); coding-DNA positions 2824 to 2832, GGCCCCCCA replaced by C.
Protein change: p.Gly942fs; shifts the reading frame from glycine 942.
Molecular consequence: frameshift variant.
Genome position (GRCh38, 1-based): chr21:45,504,512-45,504,520, GGCCCCCCA replaced by C. VCF-style: chr21-45504512-GGCCCCCCA-C. GRCh37 (hg19) VCF-style: chr21-46924426-GGCCCCCCA-C.
Other names: c.3364_3372delinsC, p.Gly1122fs (NM_030582.4); c.4069_4077delinsC, p.Gly1357fs (NM_130444.3); short protein forms G1122fs, G1357fs, G942fs.
Identifiers: ClinVar variation 4946646 (VCV004946646.2).